The following is an entry in ClinVar:

ClinVar aggregate classification (germline): Pathogenic. Review status: reviewed by expert panel (3 of 4 stars). 4 submissions from 4 submitters: Pathogenic (1). 3 of the submissions do not count toward it. Last evaluated 2016-10-18.

Conditions:
Breast and/or ovarian cancer. Identifiers: MedGen CN221562.
Hereditary breast ovarian cancer syndrome. Also called: BRCA1- and BRCA2-Associated Hereditary Breast and Ovarian Cancer; Hereditary breast and ovarian cancer syndrome; Hereditary breast and ovarian cancer syndrome (HBOC); Breast and ovarian cancer; Hereditary breast and/or ovarian cancer syndrome; Hereditary breast and ovarian cancer. Identifiers: Orphanet 145, MedGen C0677776, MeSH D061325, MONDO:0003582. Disease mechanism: loss of function.
Breast-ovarian cancer, familial, susceptibility to, 1 (BROVCA1). Also called: BRCA1 Hereditary Breast and Ovarian Cancer; OVARIAN CANCER, SUSCEPTIBILITY TO. Identifiers: Orphanet 145, MedGen C2676676, MONDO:0011450, OMIM 604370. Disease mechanism: loss of function.

Submissions (4):

Evidence-based Network for the Interpretation of Germline Mutant Alleles (ENIGMA)
Classification: Pathogenic for Breast-ovarian cancer, familial, susceptibility to, 1. Last evaluated: 2016-10-18. Review status: reviewed by expert panel. Criteria: ENIGMA BRCA1/2 Classification Criteria (2015). Collection method: curation. Allele origin: germline.
Comment: Variant allele predicted to encode a truncated non-functional protein.

Consortium of Investigators of Modifiers of BRCA1/2 (CIMBA), c/o University of Cambridge
Classification: Pathogenic for Breast-ovarian cancer, familial, susceptibility to, 1. Last evaluated: 2015-10-02. Review status: criteria provided, single submitter. Criteria: CIMBA Mutation Classification guidelines May 2016. Collection method: clinical testing. Allele origin: germline. Not counted in ClinVar's aggregate classification.

CZECANCA consortium
Classification: Pathogenic for Breast and/or ovarian cancer. Last evaluated: 2019-06-11. Review status: no assertion criteria provided. Collection method: clinical testing. Allele origin: germline. Affected: yes. Observed: 1 variant allele. Not counted in ClinVar's aggregate classification.

Research Molecular Genetics Laboratory, Women's College Hospital, University of Toronto
Classification: Pathogenic for Hereditary breast ovarian cancer syndrome. Last evaluated: 2014-01-31. Review status: no assertion criteria provided. Collection method: research. Allele origin: germline. Affected: yes. Study: The Canadian Open Genetics Repository (COGR). Not counted in ClinVar's aggregate classification.

Literature cited by the submitters: PubMed 32295079 (cited by CZECANCA consortium).

NM_007294.4(BRCA1):c.4062_4068del (p.Asn1354fs)

Genes: BRCA1 (BRCA1 DNA repair associated; minus strand), LOC126862571 (BRD4-independent group 4 enhancer GRCh37_chr17:41243136-41244335; plus strand). Cytogenetic location: 17q21.31.
Variant type: Deletion.
Coding change: c.4062_4068del on transcript NM_007294.4 (MANE Select); coding-DNA positions 4062 to 4068, 7 bases deleted (TAATCAA; older notation c.4062_4068delTAATCAA).
Protein change: p.Asn1354fs; shifts the reading frame from asparagine 1354.
Molecular consequence: frameshift variant. On other transcripts: intron variant (135).
Genome position (GRCh38, 1-based): chr17:43,091,463-43,091,469, TTGATTA deleted on the plus strand (TAATCAA on the coding strand, the reverse complement: BRCA1 is on the minus strand); deleting any 7 consecutive bases within chr17:43,091,463-43,091,471 gives the same sequence; the c. name uses the placement nearest the transcript's 3' end. VCF-style (leftmost placement, unchanged base first): chr17-43091462-CTTGATTA-C. GRCh37 (hg19) VCF-style: chr17-41243479-CTTGATTA-C.
Other names: 4181del7; c.3918_3924del, p.Asn1306fs (NM_001407747.1, NM_001407748.1, NM_001407749.1 and 20 more transcripts); c.3921_3927del, p.Asn1307fs (NM_001407750.1, NM_001407751.1, NM_001407752.1 and 29 more transcripts); c.3849_3855del, p.Asn1283fs (NM_001407853.1, NM_001407894.1, NM_001407895.1 and 9 more transcripts); c.4062_4068del, p.Asn1354fs (NM_001407854.1, NM_001407858.1, NM_001407859.1 and 30 more transcripts); c.4059_4065del, p.Asn1353fs (NM_001407860.1, NM_001407861.1, NM_001407587.1 and 22 more transcripts); c.3861_3867del, p.Asn1287fs (NM_001407862.1); c.3939_3945del, p.Asn1313fs (NM_001407863.1, NM_001407919.1, NM_001407937.1 and 19 more transcripts); and 43 more; short protein forms N1307fs, N1354fs, N1227fs, N1242fs, N1266fs, N1284fs, N1286fs, N1312fs.
Identifiers: ClinVar variation 55092 (VCV000055092.8), dbSNP rs397509134, ClinGen allele CA002594.